The following is an entry in ClinVar:

NM_000393.5(COL5A2):c.1029G>C (p.Glu343Asp)

Gene: COL5A2 (collagen type V alpha 2 chain; minus strand). Cytogenetic location: 2q32.2.
Variant type: single nucleotide variant.
Coding change: c.1029G>C on transcript NM_000393.5 (MANE Select); coding-DNA position 1029, G replaced by C.
Protein change: p.Glu343Asp; replaces glutamic acid 343 with aspartic acid.
Molecular consequence: missense variant.
Genome position (GRCh38, 1-based): chr2:189,078,546, C>G on the plus strand (G>C on the coding strand, the complement: COL5A2 is on the minus strand). VCF-style: chr2-189078546-C-G. GRCh37 (hg19) VCF-style: chr2-189943272-C-G.
Other names: c.1029G>C (NM_000393.3); short protein forms E343D.
Identifiers: ClinVar variation 3704872 (VCV003704872.3).

ClinVar aggregate classification (germline): Uncertain significance. Review status: criteria provided, multiple submitters, no conflicts (2 of 4 stars). 2 submissions from 2 submitters: Uncertain significance (2). Last evaluated 2025-12-24.

Conditions:
Familial thoracic aortic aneurysm and aortic dissection (TAAD). Also called: Thoracic aortic aneurysms and dissections. Identifiers: Orphanet 91387, MedGen C4707243, MONDO:0019625.
Ehlers-Danlos syndrome, classic type, 1 (EDSCL1). Also called: EHLERS-DANLOS SYNDROME, GRAVIS TYPE; EHLERS-DANLOS SYNDROME, SEVERE CLASSIC TYPE; Ehlers-Danlos syndrome, type 1; Ehlers-Danlos Syndrome, Classic Type, COL5A1-Related; EDS I. Identifiers: MedGen C0268335, MONDO:0019567, OMIM 130000.

gnomAD v4.1: 22 of 1,612,762 alleles (0.0014%); highest among the groups gnomAD compares: Non-Finnish European, 0.0019%; no homozygotes.

Submissions (2):

Ambry Genetics
Classification: Uncertain significance for Familial thoracic aortic aneurysm and aortic dissection. Last evaluated: 2025-12-24. Review status: criteria provided, single submitter. Criteria: Ambry Variant Classification Scheme 2023. Collection method: clinical testing. Allele origin: germline.
Comment: The p.E343D variant (also known as c.1029G>C), located in coding exon 16 of the COL5A2 gene, results from a G to C substitution at nucleotide position 1029. The glutamic acid at codon 343 is replaced by aspartic acid, an amino acid with highly similar properties. This amino acid position is conserved. In addition, the in silico prediction for this alteration is inconclusive. Based on the available evidence, the clinical significance of this variant remains unclear.

Labcorp Genetics (formerly Invitae), Labcorp
Classification: Uncertain significance for Ehlers-Danlos syndrome, classic type, 1. Last evaluated: 2025-12-22. Review status: criteria provided, single submitter. Criteria: Invitae Variant Classification Sherloc (09022015). Collection method: clinical testing. Allele origin: germline.
Comment: This sequence change replaces glutamic acid, which is acidic and polar, with aspartic acid, which is acidic and polar, at codon 343 of the COL5A2 protein (p.Glu343Asp). This variant is present in population databases (no rsID available, gnomAD 0.0009%). This variant has not been reported in the literature in individuals affected with COL5A2-related conditions. ClinVar contains an entry for this variant (Variation ID: 3704872). Invitae Evidence Modeling of protein sequence and biophysical properties (such as structural, functional, and spatial information, amino acid conservation, physicochemical variation, residue mobility, and thermodynamic stability) indicates that this missense variant is not expected to disrupt COL5A2 protein function with a negative predictive value of 80%. In summary, the available evidence is currently insufficient to determine the role of this variant in disease. Therefore, it has been classified as a Variant of Uncertain Significance.